The following is an entry in ClinVar:

NM_017617.5(NOTCH1):c.1441+11C>A

Gene: NOTCH1 (notch receptor 1; minus strand). Cytogenetic location: 9q34.3.
Variant type: single nucleotide variant.
Coding change: c.1441+11C>A on transcript NM_017617.5 (MANE Select); 11 bases into the intron after coding-DNA position 1441, C replaced by A.
Molecular consequence: intron variant.
Genome position (GRCh38, 1-based): chr9:136,517,741, G>T on the plus strand (C>A on the coding strand, the complement: NOTCH1 is on the minus strand). VCF-style: chr9-136517741-G-T. GRCh37 (hg19) VCF-style: chr9-139412193-G-T.
Other names: c.1441+11C>A (LRG_1122t1).
Identifiers: ClinVar variation 515130 (VCV000515130.7), dbSNP rs376506127, ClinGen allele CA5341806.

ClinVar aggregate classification (germline): Likely benign. Review status: criteria provided, multiple submitters, no conflicts (2 of 4 stars). 3 submissions from 3 submitters: Likely benign (3). Last evaluated 2026-01-13.

Conditions:
Adams-Oliver syndrome 5 (AOS5). Identifiers: Orphanet 974, MedGen C4014970, MONDO:0014459, OMIM 616028.

Allele frequency attached by ClinVar (database versions not stated): TOPMed 0.00007.
gnomAD v4.1: 43 of 1,612,272 alleles (0.0027%); highest among the groups gnomAD compares: Non-Finnish European, 0.0021%; no homozygotes.

Submissions (3):

Labcorp Genetics (formerly Invitae), Labcorp
Classification: Likely benign for Adams-Oliver syndrome 5. Last evaluated: 2026-01-13. Review status: criteria provided, single submitter. Criteria: Invitae Variant Classification Sherloc (09022015). Collection method: clinical testing. Allele origin: germline.

Blueprint Genetics
Classification: Likely benign. Last evaluated: 2020-11-13. Review status: criteria provided, single submitter. Criteria: ACMG Guidelines, 2015. Collection method: clinical testing. Allele origin: germline.

GeneDx
Classification: Likely benign. Last evaluated: 2018-01-26. Review status: criteria provided, single submitter. Criteria: GeneDx Variant Classification (06012015). Collection method: clinical testing. Allele origin: germline. Affected: yes.
Comment: This variant is considered likely benign or benign based on one or more of the following criteria: it is a conservative change, it occurs at a poorly conserved position in the protein, it is predicted to be benign by multiple in silico algorithms, and/or has population frequency not consistent with disease.